The following is an entry in ClinVar:

ClinVar aggregate classification (germline): Uncertain significance. Review status: criteria provided, multiple submitters, no conflicts (2 of 4 stars). 2 submissions from 2 submitters: Uncertain significance (2). Last evaluated 2025-06-16.

Conditions:
Inborn genetic diseases. Identifiers: MedGen C0950123, MeSH D030342.

gnomAD v4.1: 1 of 1,609,012 alleles (0.000062%); highest among the groups gnomAD compares: East Asian, 0.0022%; no homozygotes.

Submissions (2):

Ambry Genetics
Classification: Uncertain significance for Inborn genetic diseases. Last evaluated: 2025-06-16. Review status: criteria provided, single submitter. Criteria: Ambry Variant Classification Scheme 2023. Collection method: clinical testing. Allele origin: germline.

GeneDx
Classification: Uncertain significance. Last evaluated: 2025-05-29. Review status: criteria provided, single submitter. Criteria: GeneDx Variant Classification Process June 2021. Collection method: clinical testing. Allele origin: germline. Affected: yes.
Comment: Not observed at significant frequency in large population cohorts (gnomAD); In silico analysis supports that this missense variant has a deleterious effect on protein structure/function; Has not been previously published as pathogenic or benign to our knowledge

NM_019842.4(KCNQ5):c.1718A>T (p.Gln573Leu)

Gene: KCNQ5 (potassium voltage-gated channel subfamily Q member 5; plus strand). Cytogenetic location: 6q13.
Variant type: single nucleotide variant.
Coding change: c.1718A>T on transcript NM_019842.4 (MANE Select); coding-DNA position 1718, A replaced by T.
Protein change: p.Gln573Leu; replaces glutamine 573 with leucine.
Molecular consequence: missense variant.
Genome position (GRCh38, 1-based): chr6:73,192,573, A>T. VCF-style: chr6-73192573-A-T. GRCh37 (hg19) VCF-style: chr6-73902296-A-T.
Other names: c.1691A>T, p.Gln564Leu (NM_001160130.2); c.1748A>T, p.Gln583Leu (NM_001160132.2); c.1775A>T, p.Gln592Leu (NM_001160133.2); c.1388A>T, p.Gln463Leu (NM_001160134.2); short protein forms Q463L, Q592L, Q573L, Q564L, Q583L.
Identifiers: ClinVar variation 4090708 (VCV004090708.2).